The following is an entry in ClinVar:

NM_020318.3(PAPPA2):c.2305_2306del (p.Asp769fs)

Gene: PAPPA2 (pappalysin 2; plus strand). Cytogenetic location: 1q25.2.
Variant type: Microsatellite.
Coding change: c.2305_2306del on transcript NM_020318.3 (MANE Select); coding-DNA positions 2305 to 2306, 2 bases deleted (GA; older notation c.2305_2306delGA).
Protein change: p.Asp769fs; shifts the reading frame from aspartic acid 769.
Molecular consequence: frameshift variant.
Genome position (GRCh38, 1-based): chr1:176,690,304-176,690,305, GA deleted; deleting any 2 consecutive bases within chr1:176,690,302-176,690,305 gives the same sequence; the c. name uses the placement nearest the transcript's 3' end. VCF-style (leftmost placement, unchanged base first): chr1-176690301-GGA-G. GRCh37 (hg19) VCF-style: chr1-176659437-GGA-G.
Other names: c.2305_2306del, p.Asp769fs (NM_021936.3); short protein forms D769fs.
Identifiers: ClinVar variation 2084784 (VCV002084784.1), dbSNP rs2525428927, ClinGen allele CA2580611511.

ClinVar aggregate classification (germline): Pathogenic (1 of 4 stars; one submission).

Submission:

Labcorp Genetics (formerly Invitae), Labcorp
Classification: Pathogenic. Last evaluated: 2022-07-05. Review status: criteria provided, single submitter. Criteria: Invitae Variant Classification Sherloc (09022015). Collection method: clinical testing. Allele origin: germline.
Comment: This sequence change creates a premature translational stop signal (p.Asp769Profs*12) in the PAPPA2 gene. It is expected to result in an absent or disrupted protein product. Loss-of-function variants in PAPPA2 are known to be pathogenic (PMID: 26902202, 30977789). This variant is not present in population databases (gnomAD no frequency). This variant has not been reported in the literature in individuals affected with PAPPA2-related conditions. For these reasons, this variant has been classified as Pathogenic.

Literature cited by the submitters: PubMed 26902202; PubMed 30977789.